The following is an entry in ClinVar:

ClinVar aggregate classification (germline): Benign/Likely benign. Review status: criteria provided, multiple submitters, no conflicts (2 of 4 stars). 2 submissions from 2 submitters: Benign (1); Likely benign (1). Last evaluated 2021-05-24.

Conditions:
Episodic ataxia type 1 (EA1). Also called: ATAXIA, EPISODIC, WITH MYOKYMIA; MYOKYMIA WITH PERIODIC ATAXIA; PAROXYSMAL ATAXIA WITH NEUROMYOTONIA, HEREDITARY; Episodic ataxia/myokymia syndrome. Identifiers: Orphanet 37612, Orphanet 972, MedGen C1719788, MONDO:0008047, OMIM 160120.

Allele frequency attached by ClinVar (database versions not stated): 1000 Genomes Project 0.00699; gnomAD 0.00733 and 0.00798; 1000 Genomes Project 30x 0.00796; TOPMed 0.00820.

Submissions (2):

GeneDx
Classification: Likely benign. Last evaluated: 2021-05-24. Review status: criteria provided, single submitter. Criteria: GeneDx Variant Classification Process June 2021. Collection method: clinical testing. Allele origin: germline. Affected: yes.
Comment: See Variant Classification Assertion Criteria.

Illumina Laboratory Services, Illumina
Classification: Benign for Episodic ataxia type 1. Last evaluated: 2018-01-13. Review status: criteria provided, single submitter. Criteria: ICSL Variant Classification Criteria 13 December 2019. Collection method: clinical testing. Allele origin: germline.
Comment: This variant was observed in the ICSL laboratory as part of a predisposition screen in an ostensibly healthy population. It had not been previously curated by ICSL or reported in the Human Gene Mutation Database (HGMD: prior to June 1st, 2018), and was therefore a candidate for classification through an automated scoring system. Utilizing variant allele frequency, disease prevalence and penetrance estimates, and inheritance mode, an automated score was calculated to assess if this variant is too frequent to cause the disease. Based on the score and internal cut-off values, a variant classified as benign is not then subjected to further curation. The score for this variant resulted in a classification of benign for this disease.

NM_000217.3(KCNA1):c.*2005G>A

Gene: KCNA1 (potassium voltage-gated channel subfamily A member 1; plus strand). Cytogenetic location: 12p13.32.
Variant type: single nucleotide variant.
Coding change: c.*2005G>A on transcript NM_000217.3 (MANE Select); 2005 bases downstream of the stop codon, G replaced by A.
Molecular consequence: 3 prime UTR variant.
Genome position (GRCh38, 1-based): chr12:4,914,871, G>A. VCF-style: chr12-4914871-G-A. GRCh37 (hg19) VCF-style: chr12-5024037-G-A.
Identifiers: ClinVar variation 309179 (VCV000309179.7), dbSNP rs76783799, ClinGen allele CA10637705.